The following is an entry in ClinVar:

ClinVar aggregate classification (germline): Uncertain significance (1 of 4 stars; one submission).

gnomAD v4.1: 1 of 1,602,340 alleles (0.000062%); highest among the groups gnomAD compares: Non-Finnish European, 0.000085%; no homozygotes.

Submission:

Ambry Genetics
Classification: Uncertain significance. Last evaluated: 2024-09-24. Review status: criteria provided, single submitter. Criteria: Ambry Variant Classification Scheme 2023. Collection method: clinical testing. Allele origin: germline.
Comment: The p.A660T variant (also known as c.1978G>A) is located in coding exon 14 of the CTNNA3 gene. The alanine at codon 660 is replaced by threonine, an amino acid with similar properties. This change occurs in the first base pair of coding exon 14. This amino acid position is conserved. In addition, this alteration is predicted to be tolerated by in silico analysis. Based on the available evidence, the clinical significance of this variant remains unclear.

NM_013266.4(CTNNA3):c.1978G>A (p.Ala660Thr)

Gene: CTNNA3 (catenin alpha 3; minus strand). Cytogenetic location: 10q21.3.
Variant type: single nucleotide variant.
Coding change: c.1978G>A on transcript NM_013266.4 (MANE Select); coding-DNA position 1978, G replaced by A.
Protein change: p.Ala660Thr; replaces alanine 660 with threonine.
Molecular consequence: missense variant.
Genome position (GRCh38, 1-based): chr10:66,069,489, C>T on the plus strand (G>A on the coding strand, the complement: CTNNA3 is on the minus strand). VCF-style: chr10-66069489-C-T. GRCh37 (hg19) VCF-style: chr10-67829247-C-T.
Other names: c.1978G>A, p.Ala660Thr (NM_001127384.3); short protein forms A660T.
Identifiers: ClinVar variation 3498305 (VCV003498305.1).